The following is an entry in ClinVar:

NM_000257.4(MYH7):c.1373dup (p.Val459fs)

Gene: MYH7 (myosin heavy chain 7; minus strand). Cytogenetic location: 14q11.2.
Variant type: Duplication.
Coding change: c.1373dup on transcript NM_000257.4 (MANE Select); coding-DNA position 1373, one base duplicated (G; older notation c.1373dupG).
Protein change: p.Val459fs; shifts the reading frame from valine 459.
Molecular consequence: frameshift variant.
Genome position (GRCh38, 1-based): chr14:23,428,989, C duplicated on the plus strand (G on the coding strand, the reverse complement: MYH7 is on the minus strand); the first of 2 consecutive C bases (chr14:23,428,989-23,428,990); duplicating either gives the same sequence. VCF-style (leftmost placement, unchanged base first): chr14-23428988-T-TC. GRCh37 (hg19) VCF-style: chr14-23898197-T-TC.
Other names: short protein forms V459fs.
Identifiers: ClinVar variation 1398181 (VCV001398181.6), dbSNP rs2138675116, ClinGen allele CA2573149860.

ClinVar aggregate classification (germline): Uncertain significance (1 of 4 stars; one submission).

Conditions:
Hypertrophic cardiomyopathy. Also called: HYPERTROPHIC MYOCARDIOPATHY. Identifiers: Orphanet 217569, MedGen C0007194, MeSH D002312, MONDO:0005045, HP:0001639.

Submission:

Labcorp Genetics (formerly Invitae), Labcorp
Classification: Uncertain significance for Hypertrophic cardiomyopathy. Last evaluated: 2021-05-30. Review status: criteria provided, single submitter. Criteria: Invitae Variant Classification Sherloc (09022015). Collection method: clinical testing. Allele origin: germline.
Comment: In summary, the available evidence is currently insufficient to determine the role of this variant in disease. Therefore, it has been classified as a Variant of Uncertain Significance. This variant has not been reported in the literature in individuals with MYH7-related conditions. This variant is not present in population databases (ExAC no frequency). This sequence change creates a premature translational stop signal (p.Val459Serfs*16) in the MYH7 gene. It is expected to result in an absent or disrupted protein product. However, the current clinical and genetic evidence is not sufficient to establish whether loss-of-function variants in MYH7 cause disease.